The following is an entry in ClinVar:

NM_032043.3(BRIP1):c.289A>G (p.Asn97Asp)

Gene: BRIP1 (BRCA1 interacting DNA helicase 1; minus strand). Cytogenetic location: 17q23.2.
Variant type: single nucleotide variant.
Coding change: c.289A>G on transcript NM_032043.3 (MANE Select); coding-DNA position 289, A replaced by G.
Protein change: p.Asn97Asp; replaces asparagine 97 with aspartic acid.
Molecular consequence: missense variant.
Genome position (GRCh38, 1-based): chr17:61,857,148, T>C on the plus strand (A>G on the coding strand, the complement: BRIP1 is on the minus strand). VCF-style: chr17-61857148-T-C. GRCh37 (hg19) VCF-style: chr17-59934509-T-C.
Other names: short protein forms N97D.
Identifiers: ClinVar variation 923567 (VCV000923567.4), dbSNP rs2078908581, ClinGen allele CA400485445.

ClinVar aggregate classification (germline): Uncertain significance (1 of 4 stars; one submission).

Conditions:
Hereditary cancer-predisposing syndrome. Also called: Neoplastic Syndromes, Hereditary; Tumor predisposition; Hereditary Cancer Syndrome; Hereditary neoplastic syndrome. Identifiers: Orphanet 140162, MedGen C0027672, MeSH D009386, MONDO:0015356.

Submission:

Color Diagnostics, LLC DBA Color Health
Classification: Uncertain significance for Hereditary cancer-predisposing syndrome. Last evaluated: 2023-12-05. Review status: criteria provided, single submitter. Criteria: ACMG Guidelines, 2015. Collection method: clinical testing. Allele origin: germline.
Comment: This missense variant replaces asparagine with aspartic acid at codon 97 of the BRIP1 protein. Computational prediction suggests that this variant may not impact protein structure and function (internally defined REVEL score threshold <= 0.5, PMID: 27666373). To our knowledge, functional studies have not been reported for this variant. This variant has not been reported in individuals affected with BRIP1-related disorders in the literature. This variant has not been identified in the general population by the Genome Aggregation Database (gnomAD). The available evidence is insufficient to determine the role of this variant in disease conclusively. Therefore, this variant is classified as a Variant of Uncertain Significance.